The following is an entry in ClinVar:

ClinVar aggregate classification (germline): Conflicting classifications of pathogenicity. Review status: criteria provided, conflicting classifications (1 of 4 stars). 4 submissions from 4 submitters: Uncertain significance (1); Likely benign (3). Last evaluated 2026-01-07.

Conditions:
Long QT syndrome (LQTS). Identifiers: MedGen C0023976, MeSH D008133, MONDO:0002442. Disease mechanism: loss of function. Inheritance: Various modes of inheritance.
Timothy syndrome (TS). Also called: LONG QT SYNDROME WITH SYNDACTYLY. Identifiers: Orphanet 65283, MedGen C1832916, MeSH C536962, MONDO:0010979, OMIM 601005.
Brugada syndrome 3 (BRGDA3). Identifiers: Orphanet 130, MedGen C2678478, MONDO:0012742, OMIM 611875.
Long QT syndrome 8. Identifiers: MedGen CN260585, MONDO:0032756, OMIM 618447.
Cardiovascular phenotype. Identifiers: MedGen CN230736.

Allele frequency attached by ClinVar (database versions not stated): gnomAD exomes 0.00001; TOPMed 0.00003; ExAC 0.00004; gnomAD 0.00005 and 0.00006.
gnomAD v4.1: 22 of 1,585,946 alleles (0.0014%); highest among the groups gnomAD compares: African/African-American, 0.024%; no homozygotes.

Submissions (4):

Labcorp Genetics (formerly Invitae), Labcorp
Classification: Likely benign for Long QT syndrome. Last evaluated: 2026-01-07. Review status: criteria provided, single submitter. Criteria: Invitae Variant Classification Sherloc (09022015). Collection method: clinical testing. Allele origin: germline.

Molecular Diagnostic Laboratory for Inherited Cardiovascular Disease, Montreal Heart Institute
Classification: Likely benign. Last evaluated: 2025-04-09. Review status: criteria provided, single submitter. Criteria: ACMG Guidelines, 2015. Collection method: clinical testing. Allele origin: germline. Affected: no.
Comment: BS1;BP4;BP5

Ambry Genetics
Classification: Likely benign for Cardiovascular phenotype. Last evaluated: 2023-05-12. Review status: criteria provided, single submitter. Criteria: Ambry Variant Classification Scheme 2023. Collection method: clinical testing. Allele origin: germline.

Fulgent Genetics
Classification: Uncertain significance for Timothy syndrome; Brugada syndrome 3; Long QT syndrome 8. Last evaluated: 2021-09-08. Review status: criteria provided, single submitter. Criteria: ACMG Guidelines, 2015. Collection method: clinical testing. Allele origin: unknown.

Literature cited by the submitters: PubMed 28518168 (cited by Ambry Genetics); PubMed 32461654 (cited by Ambry Genetics).

NM_000719.7(CACNA1C):c.5411T>C (p.Val1804Ala)

Genes: CACNA1C (calcium voltage-gated channel subunit alpha1 C; plus strand), CACNA1C-AS1 (CACNA1C antisense RNA 1; minus strand). Cytogenetic location: 12p13.33.
Variant type: single nucleotide variant.
Coding change: c.5411T>C on transcript NM_000719.7 (MANE Select); coding-DNA position 5411, T replaced by C.
Protein change: p.Val1804Ala; replaces valine 1804 with alanine.
Molecular consequence: missense variant.
Genome position (GRCh38, 1-based): chr12:2,679,763, T>C. VCF-style: chr12-2679763-T-C. GRCh37 (hg19) VCF-style: chr12-2788929-T-C.
Other names: c.5555T>C, p.Val1852Ala (NM_001129827.2, NM_199460.4); c.5534T>C, p.Val1845Ala (NM_001129829.2); c.5411T>C, p.Val1804Ala (NM_001129830.3, NM_001129840.2, NM_001129841.2 and 4 more transcripts); c.5495T>C, p.Val1832Ala (NM_001129831.2); c.5471T>C, p.Val1824Ala (NM_001129832.2); c.5468T>C, p.Val1823Ala (NM_001129833.2, NM_001129834.2, NM_001129835.2); c.5462T>C, p.Val1821Ala (NM_001129836.2); c.5435T>C, p.Val1812Ala (NM_001129837.2, NM_001129838.2); and 4 more; short protein forms V1804A, V1852A, V1812A, V1845A, V1801A, V1821A, V1823A, V1832A.
Identifiers: ClinVar variation 411737 (VCV000411737.18), dbSNP rs756492434, ClinGen allele CA6389776.